The following is an entry in ClinVar:

NM_003922.4(HERC1):c.13450C>T (p.Arg4484Trp)

Gene: HERC1 (HECT and RLD domain containing E3 ubiquitin protein ligase family member 1; minus strand). Cytogenetic location: 15q22.31.
Variant type: single nucleotide variant.
Coding change: c.13450C>T on transcript NM_003922.4 (MANE Select); coding-DNA position 13450, C replaced by T.
Protein change: p.Arg4484Trp; replaces arginine 4484 with tryptophan.
Molecular consequence: missense variant.
Genome position (GRCh38, 1-based): chr15:63,623,886, G>A on the plus strand (C>T on the coding strand, the complement: HERC1 is on the minus strand). VCF-style: chr15-63623886-G-A. GRCh37 (hg19) VCF-style: chr15-63916085-G-A.
Other names: c.13450C>T (NM_003922.3); short protein forms R4484W.
Identifiers: ClinVar variation 1934742 (VCV001934742.6), dbSNP rs1019805260, ClinGen allele CA272091494.

ClinVar aggregate classification (germline): Uncertain significance. Review status: criteria provided, multiple submitters, no conflicts (2 of 4 stars). 2 submissions from 2 submitters: Uncertain significance (2). Last evaluated 2026-03-13.

Allele frequency attached by ClinVar (database versions not stated): gnomAD exomes below 0.00001; TOPMed 0.00002.
gnomAD v4.1: 6 of 1,613,534 alleles (0.00037%); highest among the groups gnomAD compares: Non-Finnish European, 0.00051%; no homozygotes.

Submissions (2):

GeneDx
Classification: Uncertain significance. Last evaluated: 2026-03-13. Review status: criteria provided, single submitter. Criteria: GeneDx Variant Classification Process June 2021. Collection method: clinical testing. Allele origin: germline.
Comment: Not observed at significant frequency in large population cohorts (gnomAD); In silico analysis supports that this missense variant has a deleterious effect on protein structure/function; Has not been previously published as pathogenic or benign to our knowledge

Labcorp Genetics (formerly Invitae), Labcorp
Classification: Uncertain significance. Last evaluated: 2022-07-14. Review status: criteria provided, single submitter. Criteria: Invitae Variant Classification Sherloc (09022015). Collection method: clinical testing. Allele origin: germline.
Comment: In summary, the available evidence is currently insufficient to determine the role of this variant in disease. Therefore, it has been classified as a Variant of Uncertain Significance. Algorithms developed to predict the effect of missense changes on protein structure and function (SIFT, PolyPhen-2, Align-GVGD) all suggest that this variant is likely to be disruptive. This variant has not been reported in the literature in individuals affected with HERC1-related conditions. This variant is present in population databases (no rsID available, gnomAD 0.0009%). This sequence change replaces arginine, which is basic and polar, with tryptophan, which is neutral and slightly polar, at codon 4484 of the HERC1 protein (p.Arg4484Trp).